The following is an entry in ClinVar:

ClinVar aggregate classification (germline): Uncertain significance (1 of 4 stars; one submission).

Conditions:
Hereditary sensory and autonomic neuropathy type 7. Also called: Neuropathy, hereditary sensory and autonomic, type VII; HSAN VII. Identifiers: Orphanet 391397, MedGen C3809882, MONDO:0014244, OMIM 615548.
Familial episodic pain syndrome with predominantly lower limb involvement. Also called: Episodic pain syndrome, familial, 3. Identifiers: Orphanet 391384, Orphanet 391392, MedGen C3809899, MONDO:0014247, OMIM 615552.

Submission:

Labcorp Genetics (formerly Invitae), Labcorp
Classification: Uncertain significance for Familial episodic pain syndrome with predominantly lower limb involvement; Hereditary sensory and autonomic neuropathy type 7. Last evaluated: 2022-07-06. Review status: criteria provided, single submitter. Criteria: Invitae Variant Classification Sherloc (09022015). Collection method: clinical testing. Allele origin: germline.
Comment: This sequence change creates a premature translational stop signal (p.Lys1710Argfs*16) in the SCN11A gene. While this is not anticipated to result in nonsense mediated decay, it is expected to disrupt the last 82 amino acid(s) of the SCN11A protein. This variant is not present in population databases (gnomAD no frequency). This variant has not been reported in the literature in individuals affected with SCN11A-related conditions. In summary, the available evidence is currently insufficient to determine the role of this variant in disease. Therefore, it has been classified as a Variant of Uncertain Significance.

NM_001349253.2(SCN11A):c.5127_5128dup (p.Lys1710fs)

Gene: SCN11A (sodium voltage-gated channel alpha subunit 11; minus strand). Cytogenetic location: 3p22.2.
Variant type: Microsatellite.
Coding change: c.5127_5128dup on transcript NM_001349253.2 (MANE Select); coding-DNA positions 5127 to 5128, 2 bases duplicated (GA; older notation c.5127_5128dupGA).
Protein change: p.Lys1710fs; shifts the reading frame from lysine 1710.
Molecular consequence: frameshift variant.
Genome position (GRCh38, 1-based): chr3:38,846,942-38,846,943, TC duplicated on the plus strand (GA on the coding strand, the reverse complement: SCN11A is on the minus strand); duplicating any 2 consecutive bases within chr3:38,846,942-38,846,946 gives the same sequence; the c. name uses the placement nearest the transcript's 3' end. VCF-style (leftmost placement, unchanged base first): chr3-38846941-T-TTC. GRCh37 (hg19) VCF-style: chr3-38888432-T-TTC.
Other names: c.5127_5128dup, p.Lys1710fs (NM_014139.3); short protein forms K1710fs.
Identifiers: ClinVar variation 541554 (VCV000541554.5), dbSNP rs1553630088, ClinGen allele CA658796285.
Genomic context (GRCh38, chr3:38,846,941, plus strand): 5'-CTCTTGGTGGTGGTGACTATGGGTTCATACAACTTCTTGAGAGGATTGGCTTCCATGAAC[T>TTC]TCTCTTCCATCATTGCTTTCATACTATCTAGGCCATCAGAGCCACCGAGTACCCTAGCGG-3'